The following is an entry in ClinVar:

NM_014297.5(ETHE1):c.418_419del (p.Val140fs)

Gene: ETHE1 (ETHE1 persulfide dioxygenase; minus strand). Cytogenetic location: 19q13.31.
Variant type: Microsatellite.
Coding change: c.418_419del on transcript NM_014297.5 (MANE Select); coding-DNA positions 418 to 419, 2 bases deleted (GT; older notation c.418_419delGT).
Protein change: p.Val140fs; shifts the reading frame from valine 140.
Molecular consequence: frameshift variant.
Genome position (GRCh38, 1-based): chr19:43,511,523-43,511,524, AC deleted on the plus strand (GT on the coding strand, the reverse complement: ETHE1 is on the minus strand); deleting any 2 consecutive bases within chr19:43,511,523-43,511,527 gives the same sequence; the c. name uses the placement nearest the transcript's 3' end. VCF-style (leftmost placement, unchanged base first): chr19-43511522-GAC-G. GRCh37 (hg19) VCF-style: chr19-44015674-GAC-G.
Other names: c.385_386del, p.Val129fs (NM_001320867.2); c.49_50del, p.Val17fs (NM_001320868.2); c.124_125del, p.Val42fs (NM_001320869.2); short protein forms V129fs, V17fs, V140fs, V42fs.
Identifiers: ClinVar variation 2749492 (VCV002749492.3), dbSNP rs2513609656, ClinGen allele CA2697556611.

ClinVar aggregate classification (germline): Pathogenic (1 of 4 stars; one submission).

Conditions:
Ethylmalonic encephalopathy (EE). Also called: EPEMA syndrome; Encephalopathy, petechiae, and ethylmalonic aciduria; Syndrome of encephalopathy, petechiae, and ethylmalonic aciduria. Identifiers: Orphanet 51188, MedGen C1865349, MONDO:0011229, OMIM 602473. Disease mechanism: loss of function.

Submission:

Labcorp Genetics (formerly Invitae), Labcorp
Classification: Pathogenic for Ethylmalonic encephalopathy. Last evaluated: 2023-05-30. Review status: criteria provided, single submitter. Criteria: Invitae Variant Classification Sherloc (09022015). Collection method: clinical testing. Allele origin: germline.
Comment: For these reasons, this variant has been classified as Pathogenic. This sequence change creates a premature translational stop signal (p.Val140Hisfs*6) in the ETHE1 gene. It is expected to result in an absent or disrupted protein product. Loss-of-function variants in ETHE1 are known to be pathogenic (PMID: 14732903, 19136963). This variant is not present in population databases (gnomAD no frequency). This variant has not been reported in the literature in individuals affected with ETHE1-related conditions.

Literature cited by the submitters: PubMed 14732903; PubMed 19136963.